The following is an entry in ClinVar:

ClinVar aggregate classification (germline): Likely benign. Review status: criteria provided, multiple submitters, no conflicts (2 of 4 stars). 3 submissions from 3 submitters: Likely benign (2). 1 of the submissions does not count toward it. Last evaluated 2025-12-08.

Conditions:
CDKN1C-related disorder. Also called: CDKN1C-related condition.
Beckwith-Wiedemann syndrome (BWS). Also called: Exomphalos macroglossia gigantism syndrome; EMG SYNDROME. Identifiers: Orphanet 116, MedGen C0004903, MONDO:0007534, OMIM 130650.

Submissions (3):

Labcorp Genetics (formerly Invitae), Labcorp
Classification: Likely benign for Beckwith-Wiedemann syndrome. Last evaluated: 2025-12-08. Review status: criteria provided, single submitter. Criteria: Invitae Variant Classification Sherloc (09022015). Collection method: clinical testing. Allele origin: germline.

CeGaT Center for Human Genetics Tuebingen
Classification: Likely benign. Last evaluated: 2025-01-01. Review status: criteria provided, single submitter. Criteria: CeGaT Center For Human Genetics Tuebingen Variant Classification Criteria Version 2. Collection method: clinical testing. Allele origin: germline. Affected: yes. Observed: 1 variant allele.
Comment: CDKN1C: BS1

PreventionGenetics, part of Exact Sciences
Classification: Uncertain significance for CDKN1C-related condition. Last evaluated: 2024-01-13. Review status: no assertion criteria provided. Collection method: clinical testing. Allele origin: germline. Not counted in ClinVar's aggregate classification.
Comment: The CDKN1C c.579_602del24 variant is predicted to result in an in-frame deletion (p.Val195_Pro202del). To our knowledge, this variant has not been reported in the literature or in a large population database, indicating this variant is rare. At this time, the clinical significance of this variant is uncertain due to the absence of conclusive functional and genetic evidence.

NM_001122630.2(CDKN1C):c.546_569del (p.Val184_Pro191del)

Gene: CDKN1C (cyclin dependent kinase inhibitor 1C; minus strand). Cytogenetic location: 11p15.4.
Variant type: Deletion.
Coding change: c.546_569del on transcript NM_001122630.2 (MANE Select); coding-DNA positions 546 to 569, 24 bases deleted (TCCAGTCGCGGCCCCGGCCCCAGC).
Protein change: p.Val184_Pro191del.
Molecular consequence: inframe deletion. On other transcripts: intron variant (1).
Genome position (GRCh38, 1-based): chr11:2,884,888-2,884,911, GCTGGGGCCGGGGCCGCGACTGGA deleted on the plus strand (TCCAGTCGCGGCCCCGGCCCCAGC on the coding strand, the reverse complement: CDKN1C is on the minus strand); deleting any 24 consecutive bases within chr11:2,884,888-2,884,913 gives the same sequence; the c. name uses the placement nearest the transcript's 3' end. VCF-style (leftmost placement, unchanged base first): chr11-2884887-GGCTGGGGCCGGGGCCGCGACTGGA-G. GRCh37 (hg19) VCF-style: chr11-2906117-GGCTGGGGCCGGGGCCGCGACTGGA-G.
Other names: c.579_602del24 (NM_000076.2); c.579_602del, p.Val195_Pro202del (NM_000076.2, NM_001362474.2); c.546_569del, p.Val184_Pro191del (NM_001122631.2); c.255+291_255+314del (NM_001362475.2).
Identifiers: ClinVar variation 705610 (VCV000705610.25), dbSNP rs1590149645, ClinGen allele CA915947942.
Genomic context (GRCh38, chr11:2,884,887, plus strand): 5'-TTGAGGCGCCGCGTCCGGGGCCGGGGCCGGGGCGGGGGCCGGGGCCGGGGCCGGGGCCGG[GGCTGGGGCCGGGGCCGCGACTGGA>G]GCCGGGGCCGGAGCCGGAGCCGGAGCCGGGGCCGGGGCCGGGGCCAGGACCGCGACCGCG-3'